The following is an entry in ClinVar:

ClinVar aggregate classification (germline): Uncertain significance (1 of 4 stars; one submission).

Submission:

Labcorp Genetics (formerly Invitae), Labcorp
Classification: Uncertain significance. Last evaluated: 2022-04-11. Review status: criteria provided, single submitter. Criteria: Invitae Variant Classification Sherloc (09022015). Collection method: clinical testing. Allele origin: germline.
Comment: In summary, the available evidence is currently insufficient to determine the role of this variant in disease. Therefore, it has been classified as a Variant of Uncertain Significance. Algorithms developed to predict the effect of missense changes on protein structure and function (SIFT, PolyPhen-2, Align-GVGD) all suggest that this variant is likely to be disruptive. This variant has not been reported in the literature in individuals affected with YWHAG-related conditions. This sequence change replaces glycine, which is neutral and non-polar, with arginine, which is basic and polar, at codon 54 of the YWHAG protein (p.Gly54Arg). This variant is not present in population databases (gnomAD no frequency).

NM_012479.4(YWHAG):c.160G>A (p.Gly54Arg)

Gene: YWHAG (tyrosine 3-monooxygenase/tryptophan 5-monooxygenase activation protein gamma; minus strand). Cytogenetic location: 7q11.23.
Variant type: single nucleotide variant.
Coding change: c.160G>A on transcript NM_012479.4 (MANE Select); coding-DNA position 160, G replaced by A.
Protein change: p.Gly54Arg; replaces glycine 54 with arginine.
Molecular consequence: missense variant.
Genome position (GRCh38, 1-based): chr7:76,330,161, C>T on the plus strand (G>A on the coding strand, the complement: YWHAG is on the minus strand). VCF-style: chr7-76330161-C-T. GRCh37 (hg19) VCF-style: chr7-75959478-C-T.
Other names: short protein forms G54R.
Identifiers: ClinVar variation 2116313 (VCV002116313.4), dbSNP rs2536181258, ClinGen allele CA367778017.
Genomic context (GRCh38, chr7:76,330,161, plus strand): 5'-CGTCTGCAGATGTCTTCTGCTCAATGCTACTGATGACCCTCCAGGAAGAGCGGCGTGCCC[C>T]CACAACGTTCTTGTAGGCCACAGACAGAAGGTTTCGTTCCTCATTCGACAGTGGCTCATT-3'
Protein context (NP_036611.2, residues 44-64): LLSVAYKNVV[Gly54Arg]ARRSSWRVIS